The following is an entry in ClinVar:

ClinVar aggregate classification (germline): Benign (1 of 4 stars; one submission).

Allele frequency attached by ClinVar (database versions not stated): 1000 Genomes Project 0.86242; 1000 Genomes Project 30x 0.86555; TOPMed 0.88210; gnomAD 0.88357 and 0.88770.
gnomAD v4.1: 134,335 of 152,146 alleles (88%); highest among the groups gnomAD compares: African/African-American, 97%; 59,634 homozygotes.

Submission:

GeneDx
Classification: Benign. Last evaluated: 2018-06-18. Review status: criteria provided, single submitter. Criteria: GeneDx Variant Classification (06012015). Collection method: clinical testing. Allele origin: germline. Affected: yes.
Comment: This variant is considered likely benign or benign based on one or more of the following criteria: it is a conservative change, it occurs at a poorly conserved position in the protein, it is predicted to be benign by multiple in silico algorithms, and/or has population frequency not consistent with disease.

NM_001130987.2(DYSF):c.5003+1320A>G

Gene: DYSF (dysferlin; plus strand). Cytogenetic location: 2p13.2.
Variant type: single nucleotide variant.
Coding change: c.5003+1320A>G on transcript NM_001130987.2 (MANE Select); 1320 bases into the intron after coding-DNA position 5003, A replaced by G.
Molecular consequence: intron variant.
Genome position (GRCh38, 1-based): chr2:71,661,971, A>G. VCF-style: chr2-71661971-A-G. GRCh37 (hg19) VCF-style: chr2-71889101-A-G.
Other names: c.4979+1320A>G (NM_001130979.2); c.5000+1320A>G (NM_001130981.2); c.4937+1320A>G (NM_001130980.2); c.4949+1320A>G (NM_001130978.2); c.4886+1320A>G (NM_003494.4); c.4907+1320A>G (NM_001130977.2); c.4844+1320A>G (NM_001130976.2); c.4982+1320A>G (NM_001130982.2); and 5 more.
Identifiers: ClinVar variation 668127 (VCV000668127.1), dbSNP rs3791825, ClinGen allele CA11189237.